The following is an entry in ClinVar:

NM_001377.3(DYNC2H1):c.365A>C (p.Lys122Thr)

Gene: DYNC2H1 (dynein cytoplasmic 2 heavy chain 1; plus strand). Cytogenetic location: 11q22.3.
Variant type: single nucleotide variant.
Coding change: c.365A>C on transcript NM_001377.3 (MANE Select); coding-DNA position 365, A replaced by C.
Protein change: p.Lys122Thr; replaces lysine 122 with threonine.
Molecular consequence: missense variant.
Genome position (GRCh38, 1-based): chr11:103,113,706, A>C. VCF-style: chr11-103113706-A-C. GRCh37 (hg19) VCF-style: chr11-102984435-A-C.
Other names: c.365A>C, p.Lys122Thr (NM_001080463.2); short protein forms K122T.
Identifiers: ClinVar variation 2102791 (VCV002102791.1), dbSNP rs766629658, ClinGen allele CA6252465.

ClinVar aggregate classification (germline): Uncertain significance (1 of 4 stars; one submission).

Conditions:
Jeune thoracic dystrophy. Also called: Jeune syndrome; Infantile thoracic dystrophy; Thoracic pelvic phalangeal dystrophy; Jeune's syndrome; Chondroectodermal dysplasia-like syndrome; Short-rib thoracic dysplasia. Identifiers: Orphanet 474, MedGen C0265275, MONDO:0018770.

Allele frequency attached by ClinVar (database versions not stated): gnomAD exomes below 0.00001; ExAC 0.00001; TOPMed 0.00001.
gnomAD v4.1: 2 of 1,504,610 alleles (0.00013%); highest among the groups gnomAD compares: Admixed American, 0.0051%; no homozygotes.

Submission:

Labcorp Genetics (formerly Invitae), Labcorp
Classification: Uncertain significance for Jeune thoracic dystrophy. Last evaluated: 2022-11-01. Review status: criteria provided, single submitter. Criteria: Invitae Variant Classification Sherloc (09022015). Collection method: clinical testing. Allele origin: germline.
Comment: This sequence change replaces lysine, which is basic and polar, with threonine, which is neutral and polar, at codon 122 of the DYNC2H1 protein (p.Lys122Thr). This variant is present in population databases (rs766629658, gnomAD 0.007%). This variant has not been reported in the literature in individuals affected with DYNC2H1-related conditions. Algorithms developed to predict the effect of missense changes on protein structure and function are either unavailable or do not agree on the potential impact of this missense change (SIFT: "Deleterious"; PolyPhen-2: "Benign"; Align-GVGD: "Class C0"). Algorithms developed to predict the effect of sequence changes on RNA splicing suggest that this variant may create or strengthen a splice site. In summary, the available evidence is currently insufficient to determine the role of this variant in disease. Therefore, it has been classified as a Variant of Uncertain Significance.